The following is an entry in ClinVar:

NM_000400.4(ERCC2):c.110A>G (p.His37Arg)

Gene: ERCC2 (ERCC excision repair 2, TFIIH core complex helicase subunit; minus strand). Cytogenetic location: 19q13.32.
Variant type: single nucleotide variant.
Coding change: c.110A>G on transcript NM_000400.4 (MANE Select); coding-DNA position 110, A replaced by G.
Protein change: p.His37Arg; replaces histidine 37 with arginine.
Molecular consequence: missense variant.
Genome position (GRCh38, 1-based): chr19:45,369,143, T>C on the plus strand (A>G on the coding strand, the complement: ERCC2 is on the minus strand). VCF-style: chr19-45369143-T-C. GRCh37 (hg19) VCF-style: chr19-45872401-T-C.
Other names: c.38A>G, p.His13Arg (NM_001130867.2); short protein forms H37R, H13R.
Identifiers: ClinVar variation 1401130 (VCV001401130.3), dbSNP rs749368007, ClinGen allele CA9513909.

ClinVar aggregate classification (germline): Uncertain significance (1 of 4 stars; one submission).

Allele frequency attached by ClinVar (database versions not stated): gnomAD 0.00001; gnomAD exomes below 0.00001; TOPMed 0.00001; ExAC 0.00001.
gnomAD v4.1: 7 of 1,613,892 alleles (0.00043%); highest among the groups gnomAD compares: African/African-American, 0.0027%; no homozygotes.

Submission:

Labcorp Genetics (formerly Invitae), Labcorp
Classification: Uncertain significance. Last evaluated: 2021-11-22. Review status: criteria provided, single submitter. Criteria: Invitae Variant Classification Sherloc (09022015). Collection method: clinical testing. Allele origin: germline.
Comment: This sequence change replaces histidine, which is basic and polar, with arginine, which is basic and polar, at codon 37 of the ERCC2 protein (p.His37Arg). This variant is present in population databases (rs749368007, gnomAD 0.004%). This variant has not been reported in the literature in individuals affected with ERCC2-related conditions. Algorithms developed to predict the effect of missense changes on protein structure and function are either unavailable or do not agree on the potential impact of this missense change (SIFT: "Deleterious"; PolyPhen-2: "Possibly Damaging"; Align-GVGD: "Class C0"). In summary, the available evidence is currently insufficient to determine the role of this variant in disease. Therefore, it has been classified as a Variant of Uncertain Significance.